The following is an entry in ClinVar:

ClinVar aggregate classification (germline): Uncertain significance. Review status: criteria provided, multiple submitters, no conflicts (2 of 4 stars). 2 submissions from 2 submitters: Uncertain significance (2). Last evaluated 2025-08-07.

Conditions:
Emery-Dreifuss muscular dystrophy 5, autosomal dominant (EDMD5). Also called: EMERY-DREIFUSS MUSCULAR DYSTROPHY 5. Identifiers: Orphanet 261, MedGen C2751805, MONDO:0013072, OMIM 612999.

Allele frequency attached by ClinVar (database versions not stated): gnomAD exomes below 0.00001; TOPMed below 0.00001; gnomAD 0.00001.
gnomAD v4.1: 5 of 1,614,054 alleles (0.00031%); highest among the groups gnomAD compares: South Asian, 0.0011%; no homozygotes.

Submissions (2):

Ambry Genetics
Classification: Uncertain significance. Last evaluated: 2025-08-07. Review status: criteria provided, single submitter. Criteria: Ambry Variant Classification Scheme 2023. Collection method: clinical testing. Allele origin: germline.

Labcorp Genetics (formerly Invitae), Labcorp
Classification: Uncertain significance for Emery-Dreifuss muscular dystrophy 5, autosomal dominant. Last evaluated: 2023-12-07. Review status: criteria provided, single submitter. Criteria: Invitae Variant Classification Sherloc (09022015). Collection method: clinical testing. Allele origin: germline.
Comment: This sequence change replaces isoleucine, which is neutral and non-polar, with threonine, which is neutral and polar, at codon 2509 of the SYNE2 protein (p.Ile2509Thr). This variant is not present in population databases (gnomAD no frequency). This variant has not been reported in the literature in individuals affected with SYNE2-related conditions. ClinVar contains an entry for this variant (Variation ID: 2041722). Algorithms developed to predict the effect of missense changes on protein structure and function output the following: SIFT: "Not Available"; PolyPhen-2: "Benign"; Align-GVGD: "Not Available". The threonine amino acid residue is found in multiple mammalian species, which suggests that this missense change does not adversely affect protein function. In summary, the available evidence is currently insufficient to determine the role of this variant in disease. Therefore, it has been classified as a Variant of Uncertain Significance.

NM_182914.3(SYNE2):c.7526T>C (p.Ile2509Thr)

Gene: SYNE2 (spectrin repeat containing nuclear envelope protein 2; plus strand). Cytogenetic location: 14q23.2.
Variant type: single nucleotide variant.
Coding change: c.7526T>C on transcript NM_182914.3 (MANE Select); coding-DNA position 7526, T replaced by C.
Protein change: p.Ile2509Thr; replaces isoleucine 2509 with threonine.
Molecular consequence: missense variant.
Genome position (GRCh38, 1-based): chr14:64,049,759, T>C. VCF-style: chr14-64049759-T-C. GRCh37 (hg19) VCF-style: chr14-64516477-T-C.
Other names: c.7526T>C, p.Ile2509Thr (NM_015180.6); short protein forms I2509T.
Identifiers: ClinVar variation 2041722 (VCV002041722.6), dbSNP rs1469770276, ClinGen allele CA389959043.